The following is an entry in ClinVar:

NM_001999.4(FBN2):c.3823A>C (p.Met1275Leu)

Gene: FBN2 (fibrillin 2; minus strand). Cytogenetic location: 5q23.3.
Variant type: single nucleotide variant.
Coding change: c.3823A>C on transcript NM_001999.4 (MANE Select); coding-DNA position 3823, A replaced by C.
Protein change: p.Met1275Leu; replaces methionine 1275 with leucine.
Molecular consequence: missense variant.
Genome position (GRCh38, 1-based): chr5:128,335,479, T>G on the plus strand (A>C on the coding strand, the complement: FBN2 is on the minus strand). VCF-style: chr5-128335479-T-G. GRCh37 (hg19) VCF-style: chr5-127671171-T-G.
Other names: short protein forms M1275L.
Identifiers: ClinVar variation 4741633 (VCV004741633.1).

ClinVar aggregate classification (germline): Uncertain significance (1 of 4 stars; one submission).

Conditions:
Congenital contractural arachnodactyly (CCA). Also called: BEALS SYNDROME; Arthrogryposis, distal, type 9; Beals-Hecht syndrome. Identifiers: Orphanet 115, MedGen C0220668, MONDO:0007363, OMIM 121050.

Submission:

Labcorp Genetics (formerly Invitae), Labcorp
Classification: Uncertain significance for Congenital contractural arachnodactyly. Last evaluated: 2025-05-27. Review status: criteria provided, single submitter. Criteria: Invitae Variant Classification Sherloc (09022015). Collection method: clinical testing. Allele origin: germline.
Comment: This sequence change replaces methionine, which is neutral and non-polar, with leucine, which is neutral and non-polar, at codon 1275 of the FBN2 protein (p.Met1275Leu). This variant is not present in population databases (gnomAD no frequency). This variant has not been reported in the literature in individuals affected with FBN2-related conditions. Invitae Evidence Modeling of protein sequence and biophysical properties (such as structural, functional, and spatial information, amino acid conservation, physicochemical variation, residue mobility, and thermodynamic stability) indicates that this missense variant is not expected to disrupt FBN2 protein function with a negative predictive value of 80%. In summary, the available evidence is currently insufficient to determine the role of this variant in disease. Therefore, it has been classified as a Variant of Uncertain Significance.